The following is an entry in ClinVar:

ClinVar aggregate classification (germline): Uncertain significance. Review status: criteria provided, multiple submitters, no conflicts (2 of 4 stars). 2 submissions from 2 submitters: Uncertain significance (2). Last evaluated 2025-04-16.

Conditions:
Hereditary cancer-predisposing syndrome. Also called: Hereditary Cancer Syndrome; Neoplastic Syndromes, Hereditary; Tumor predisposition; Hereditary neoplastic syndrome. Identifiers: Orphanet 140162, MedGen C0027672, MeSH D009386, MONDO:0015356.
Ataxia-telangiectasia-like disorder (ATLD). Identifiers: MedGen C1858391, MONDO:0011457.

Submissions (2):

Ambry Genetics
Classification: Uncertain significance for Hereditary cancer-predisposing syndrome. Last evaluated: 2025-04-16. Review status: criteria provided, single submitter. Criteria: Ambry Variant Classification Scheme 2023. Collection method: clinical testing. Allele origin: germline.
Comment: The p.N391T variant (also known as c.1172A>C), located in coding exon 10 of the MRE11A gene, results from an A to C substitution at nucleotide position 1172. The asparagine at codon 391 is replaced by threonine, an amino acid with similar properties. This amino acid position is conserved. In addition, this alteration is predicted to be deleterious by in silico analysis. Since supporting evidence is limited at this time, the clinical significance of this alteration remains unclear.

Labcorp Genetics (formerly Invitae), Labcorp
Classification: Uncertain significance for Ataxia-telangiectasia-like disorder. Last evaluated: 2023-08-14. Review status: criteria provided, single submitter. Criteria: Invitae Variant Classification Sherloc (09022015). Collection method: clinical testing. Allele origin: germline.
Comment: An algorithm developed to predict the effect of missense changes on protein structure and function (PolyPhen-2) suggests that this variant is likely to be disruptive. ClinVar contains an entry for this variant (Variation ID: 2163896). This variant has not been reported in the literature in individuals affected with MRE11-related conditions. This variant is not present in population databases (gnomAD no frequency). This sequence change replaces asparagine, which is neutral and polar, with threonine, which is neutral and polar, at codon 391 of the MRE11 protein (p.Asn391Thr). In summary, the available evidence is currently insufficient to determine the role of this variant in disease. Therefore, it has been classified as a Variant of Uncertain Significance.

NM_005591.4(MRE11):c.1172A>C (p.Asn391Thr)

Gene: MRE11 (MRE11 double strand break repair nuclease; minus strand). Cytogenetic location: 11q21.
Variant type: single nucleotide variant.
Coding change: c.1172A>C on transcript NM_005591.4 (MANE Select); coding-DNA position 1172, A replaced by C.
Protein change: p.Asn391Thr; replaces asparagine 391 with threonine.
Molecular consequence: missense variant.
Genome position (GRCh38, 1-based): chr11:94,464,166, T>G on the plus strand (A>C on the coding strand, the complement: MRE11 is on the minus strand). VCF-style: chr11-94464166-T-G. GRCh37 (hg19) VCF-style: chr11-94197332-T-G.
Other names: c.1172A>C, p.Asn391Thr (NM_001330347.2, NM_005590.4); short protein forms N391T.
Identifiers: ClinVar variation 2163896 (VCV002163896.7), dbSNP rs2496426594, ClinGen allele CA382372834.